The following is an entry in ClinVar:

NM_013339.4(ALG6):c.998C>G (p.Ala333Gly)

Gene: ALG6 (ALG6 alpha-1,3-glucosyltransferase; plus strand). Cytogenetic location: 1p31.3.
Variant type: single nucleotide variant.
Coding change: c.998C>G on transcript NM_013339.4 (MANE Select); coding-DNA position 998, C replaced by G.
Protein change: p.Ala333Gly; replaces alanine 333 with glycine.
Molecular consequence: missense variant.
Genome position (GRCh38, 1-based): chr1:63,419,380, C>G. VCF-style: chr1-63419380-C-G. GRCh37 (hg19) VCF-style: chr1-63885051-C-G.
Other names: short protein forms A333G.
Identifiers: ClinVar variation 3251318 (VCV003251318.1), dbSNP rs121908443.
Genomic context (GRCh38, chr1:63,419,380, plus strand): 5'-TGCTATTTCACAAGTTGTTATATCTCATTTCCCCCCCTTTTTTCTTAAAGGTTAGCTGTG[C>G]GCTATCATTCTTTTTATTTTCTTTCCAAGTACATGAAAAATCCATTCTCTTGGTGTCACT-3'
Protein context (NP_037471.2, residues 323-343): KGFKFTLVSC[Ala333Gly]LSFFLFSFQV

ClinVar aggregate classification (germline): Uncertain significance (1 of 4 stars; one submission).

Submission:

Women's Health and Genetics/Laboratory Corporation of America, LabCorp
Classification: Uncertain significance. Last evaluated: 2024-04-12. Review status: criteria provided, single submitter. Criteria: LabCorp Variant Classification Summary - May 2015. Collection method: clinical testing. Allele origin: germline.
Comment: Variant summary: ALG6 c.998C>G (p.Ala333Gly) results in a non-conservative amino acid change in the encoded protein sequence. Two of three in-silico tools predict a damaging effect of the variant on protein function. The variant allele was found at a frequency of 4e-06 in 249886 control chromosomes. The available data on variant occurrences in the general population are insufficient to allow any conclusion about variant significance. To our knowledge, no occurrence of c.998C>G in individuals affected with Congenital Disorder Of Glycosylation Type 1C and no experimental evidence demonstrating its impact on protein function have been reported. The following publication have been ascertained in the context of this evaluation (PMID: 27287710). No submitters have cited clinical-significance assessments for this variant to ClinVar. Based on the evidence outlined above, the variant was classified as uncertain significance.

Literature cited by the submitters: PubMed 27287710.